The following is an entry in ClinVar:

NM_004006.3(DMD):c.469A>C (p.Ile157Leu)

Gene: DMD (dystrophin; minus strand). Cytogenetic location: Xp21.1.
Variant type: single nucleotide variant.
Coding change: c.469A>C on transcript NM_004006.3 (MANE Select); coding-DNA position 469, A replaced by C.
Protein change: p.Ile157Leu; replaces isoleucine 157 with leucine.
Molecular consequence: missense variant.
Genome position (GRCh38, 1-based): chrX:32,816,529, T>G on the plus strand (A>C on the coding strand, the complement: DMD is on the minus strand). VCF-style: chrX-32816529-T-G. GRCh37 (hg19) VCF-style: chrX-32834646-T-G.
Other names: c.445A>C, p.Ile149Leu (NM_000109.4); c.457A>C, p.Ile153Leu (NM_004009.3); c.100A>C, p.Ile34Leu (NM_004010.3); short protein forms I149L, I34L, I157L, I153L.
Identifiers: ClinVar variation 1384898 (VCV001384898.6), dbSNP rs773473691, ClinGen allele CA412674153.

ClinVar aggregate classification (germline): Uncertain significance (1 of 4 stars; one submission).

Conditions:
Duchenne muscular dystrophy (DMD). Also called: MUSCULAR DYSTROPHY, PSEUDOHYPERTROPHIC PROGRESSIVE, DUCHENNE TYPE; Duchenne Muscular Dystrophy (DMD). Identifiers: Orphanet 98896, MedGen C0013264, MONDO:0010679, OMIM 310200.

Submission:

Labcorp Genetics (formerly Invitae), Labcorp
Classification: Uncertain significance for Duchenne muscular dystrophy. Last evaluated: 2024-04-06. Review status: criteria provided, single submitter. Criteria: Invitae Variant Classification Sherloc (09022015). Collection method: clinical testing. Allele origin: germline.
Comment: This sequence change replaces isoleucine, which is neutral and non-polar, with leucine, which is neutral and non-polar, at codon 157 of the DMD protein (p.Ile157Leu). This variant is not present in population databases (gnomAD no frequency). This variant has not been reported in the literature in individuals affected with DMD-related conditions. ClinVar contains an entry for this variant (Variation ID: 1384898). Advanced modeling of protein sequence and biophysical properties (such as structural, functional, and spatial information, amino acid conservation, physicochemical variation, residue mobility, and thermodynamic stability) performed at Invitae indicates that this missense variant is not expected to disrupt DMD protein function with a negative predictive value of 95%. In summary, the available evidence is currently insufficient to determine the role of this variant in disease. Therefore, it has been classified as a Variant of Uncertain Significance.